The following is an entry in ClinVar:

NM_001190274.2(FBXO11):c.1364G>A (p.Arg455His)

Gene: FBXO11 (F-box protein 11; minus strand). Cytogenetic location: 2p16.3.
Variant type: single nucleotide variant.
Coding change: c.1364G>A on transcript NM_001190274.2 (MANE Select); coding-DNA position 1364, G replaced by A.
Protein change: p.Arg455His; replaces arginine 455 with histidine.
Molecular consequence: missense variant.
Genome position (GRCh38, 1-based): chr2:47,832,383, C>T on the plus strand (G>A on the coding strand, the complement: FBXO11 is on the minus strand). VCF-style: chr2-47832383-C-T. GRCh37 (hg19) VCF-style: chr2-48059522-C-T.
Other names: c.1112G>A, p.Arg371His (NM_001374325.1, NM_025133.4); short protein forms R371H, R455H.
Identifiers: ClinVar variation 1305954 (VCV001305954.3), dbSNP rs2104807681, ClinGen allele CA346765241.

ClinVar aggregate classification (germline): Pathogenic (1 of 4 stars; one submission).

Submission:

GeneDx
Classification: Pathogenic. Last evaluated: 2024-12-27. Review status: criteria provided, single submitter. Criteria: GeneDx Variant Classification Process June 2021. Collection method: clinical testing. Allele origin: germline. Affected: yes.
Comment: Not observed at significant frequency in large population cohorts (gnomAD); In silico analysis supports that this missense variant has a deleterious effect on protein structure/function; Has not been previously published as pathogenic or benign to our knowledge